The following is an entry in ClinVar:

NM_001320.7(CSNK2B):c.-1G>C

Gene: CSNK2B (casein kinase 2 beta; plus strand). Cytogenetic location: 6p21.33.
Variant type: single nucleotide variant.
Coding change: c.-1G>C on transcript NM_001320.7 (MANE Select); 1 bases upstream of the start codon, G replaced by C.
Molecular consequence: 5 prime UTR variant.
Genome position (GRCh38, 1-based): chr6:31,666,831, G>C. VCF-style: chr6-31666831-G-C. GRCh37 (hg19) VCF-style: chr6-31634608-G-C.
Other names: c.-1G>C (NM_001282385.2).
Identifiers: ClinVar variation 3051024 (VCV003051024.3), dbSNP rs144133926, ClinGen allele CA3718515.
Genomic context (GRCh38, chr6:31,666,831, plus strand): 5'-AGAGGCAGGGAAGGAGAACTTGAGCTTTACTGACACTGTTCTTTTTCTAGCTGACGTGAA[G>C]ATGAGCAGCTCAGAGGAGGTGTCCTGGATTTCCTGGTTCTGTGGGCTCCGTGGCAATGAA-3'

ClinVar aggregate classification (germline): Likely benign. Review status: criteria provided, single submitter (1 of 4 stars). 2 submissions from 2 submitters: Likely benign (1). 1 of the submissions does not count toward it. Last evaluated 2022-07-13.

Conditions:
CSNK2B-related disorder. Also called: CSNK2B-related condition.

Allele frequency attached by ClinVar (database versions not stated): 1000 Genomes Project 0.00040; 1000 Genomes Project 30x 0.00047; gnomAD 0.00066; TOPMed 0.00077; ESP Exome Variant Server 0.00100.

Submissions (2):

Blueprint Genetics
Classification: Likely benign. Last evaluated: 2022-07-13. Review status: criteria provided, single submitter. Criteria: ACMG Guidelines, 2015. Collection method: clinical testing. Allele origin: germline.

PreventionGenetics, part of Exact Sciences
Classification: Likely benign for CSNK2B-related condition. Last evaluated: 2022-11-21. Review status: no assertion criteria provided. Collection method: clinical testing. Allele origin: germline. Not counted in ClinVar's aggregate classification.
Comment: This variant is classified as likely benign based on ACMG/AMP sequence variant interpretation guidelines (Richards et al. 2015 PMID: 25741868, with internal and published modifications).